The following is an entry in ClinVar:

ClinVar aggregate classification (germline): Uncertain significance (1 of 4 stars; one submission).

Conditions:
Combined immunodeficiency due to ZAP70 deficiency (IMD48). Also called: ZAP70 Deficiency; Immunodeficiency 48. Identifiers: Orphanet 911, MedGen C2931299, MONDO:0010023, OMIM 269840.

Submission:

Labcorp Genetics (formerly Invitae), Labcorp
Classification: Uncertain significance for Combined immunodeficiency due to ZAP70 deficiency. Last evaluated: 2023-10-22. Review status: criteria provided, single submitter. Criteria: Invitae Variant Classification Sherloc (09022015). Collection method: clinical testing. Allele origin: germline.
Comment: This sequence change replaces lysine, which is basic and polar, with asparagine, which is neutral and polar, at codon 613 of the ZAP70 protein (p.Lys613Asn). This variant is not present in population databases (gnomAD no frequency). This variant has not been reported in the literature in individuals affected with ZAP70-related conditions. An algorithm developed to predict the effect of missense changes on protein structure and function (PolyPhen-2) suggests that this variant is likely to be tolerated. In summary, the available evidence is currently insufficient to determine the role of this variant in disease. Therefore, it has been classified as a Variant of Uncertain Significance.

NM_001079.4(ZAP70):c.1839G>C (p.Lys613Asn)

Gene: ZAP70 (zeta chain of T cell receptor associated protein kinase 70; plus strand). Cytogenetic location: 2q11.2.
Variant type: single nucleotide variant.
Coding change: c.1839G>C on transcript NM_001079.4 (MANE Select); coding-DNA position 1839, G replaced by C.
Protein change: p.Lys613Asn; replaces lysine 613 with asparagine.
Molecular consequence: missense variant.
Genome position (GRCh38, 1-based): chr2:97,739,477, G>C. VCF-style: chr2-97739477-G-C. GRCh37 (hg19) VCF-style: chr2-98355940-G-C.
Other names: c.1839G>C, p.Lys613Asn (NM_001378594.1); c.918G>C, p.Lys306Asn (NM_207519.2); short protein forms K613N, K306N.
Identifiers: ClinVar variation 2771093 (VCV002771093.3), dbSNP rs2482802791, ClinGen allele CA347806640.